The following is an entry in ClinVar:

NM_003919.3(SGCE):c.774_775del (p.Cys258_Asp259delinsTer)

Genes: CASD1 (CAS1 domain sialic acid O acetyltransferase 1; plus strand), SGCE (sarcoglycan epsilon; minus strand). Cytogenetic location: 7q21.3.
Variant type: Microsatellite.
Coding change: c.774_775del on transcript NM_003919.3 (MANE Select); coding-DNA positions 774 to 775, 2 bases deleted (TG; older notation c.774_775delTG).
Protein change: p.Cys258_Asp259delinsTer.
Molecular consequence: nonsense.
Genome position (GRCh38, 1-based): chr7:94,603,340-94,603,341, CA deleted on the plus strand (TG on the coding strand, the reverse complement: SGCE is on the minus strand); deleting any 2 consecutive bases within chr7:94,603,340-94,603,343 gives the same sequence; the c. name uses the placement nearest the transcript's 3' end. VCF-style (leftmost placement, unchanged base first): chr7-94603339-TCA-T. GRCh37 (hg19) VCF-style: chr7-94232651-TCA-T.
Other names: c.774_775del, p.Cys258_Asp259delinsTer (NM_001099400.2, NM_001099401.2, NM_001346717.2); c.651_652del, p.Cys217_Asp218delinsTer (NM_001301139.2, NM_001362809.2); c.882_883del, p.Cys294_Asp295delinsTer (NM_001346713.2, NM_001346715.2); c.687_688del, p.Cys229_Asp230delinsTer (NM_001346719.2, NM_001362807.2); c.501_502del, p.Cys167_Asp168delinsTer (NM_001346720.2, NM_001362808.2).
Identifiers: ClinVar variation 1999175 (VCV001999175.4), dbSNP rs2484973224, ClinGen allele CA2580615939.

ClinVar aggregate classification (germline): Pathogenic (1 of 4 stars; one submission).

Conditions:
Myoclonic dystonia 11 (DYT11). Also called: DYT-SGCE; Myoclonic dystonia; Dystonia 11; Dystonia, alcohol responsive; Hereditary essential myoclonus; SGCE Myoclonus-Dystonia. Identifiers: Orphanet 36899, MedGen C1834570, MONDO:0008044, OMIM 159900.

Submission:

Labcorp Genetics (formerly Invitae), Labcorp
Classification: Pathogenic for Myoclonic dystonia 11. Last evaluated: 2022-05-26. Review status: criteria provided, single submitter. Criteria: Invitae Variant Classification Sherloc (09022015). Collection method: clinical testing. Allele origin: germline.
Comment: This premature translational stop signal has been observed in individual(s) with myoclonus-dystonia (PMID: 17296918, 18205193, 22259621). For these reasons, this variant has been classified as Pathogenic. This variant is not present in population databases (gnomAD no frequency). This sequence change creates a premature translational stop signal (p.Cys258*) in the SGCE gene. It is expected to result in an absent or disrupted protein product. Loss-of-function variants in SGCE are known to be pathogenic (PMID: 12821748, 15389977, 17853490, 24297365).

Literature cited by the submitters: PubMed 17296918; PubMed 18205193; PubMed 22259621; PubMed 12821748; PubMed 15389977; PubMed 17853490; PubMed 24297365.